The following is an entry in ClinVar:

NM_001304548.2(CFAP47):c.9090C>T (p.Ile3030=)

Genes: CFAP47 (cilia and flagella associated protein 47; plus strand), LOC101928627 (uncharacterized LOC101928627; minus strand). Cytogenetic location: Xp21.1.
Variant type: single nucleotide variant.
Coding change: c.9090C>T on transcript NM_001304548.2 (MANE Select); coding-DNA position 9090, C replaced by T.
Protein change: p.Ile3030=; no amino-acid change (isoleucine 3030 retained).
Molecular consequence: synonymous variant.
Genome position (GRCh38, 1-based): chrX:36,367,032, C>T. VCF-style: chrX-36367032-C-T. GRCh37 (hg19) VCF-style: chrX-36385147-C-T.
Identifiers: ClinVar variation 2660271 (VCV002660271.23), dbSNP rs781932104, ClinGen allele CA10382450.
Genomic context (GRCh38, chrX:36,367,032, plus strand): 5'-CATAACACTGAAAATAGAGTGCGTAACAGAAGGGATCTGGAAGTTTCCCATAATGTTGAT[C>T]GCTACTGAACCTGATACGGATGCTGTCATTGACATTGAAGGAGTTGGTTTATTTAAGGAA-3'
Protein context (NP_001291477.1, residues 3020-3040): EGIWKFPIML[Ile3030=]ATEPDTDAVI

ClinVar aggregate classification (germline): Likely benign (1 of 4 stars; one submission).

Allele frequency attached by ClinVar (database versions not stated): gnomAD exomes 0.00001; gnomAD 0.00005; TOPMed 0.00005; ExAC 0.00006; 1000 Genomes Project 30x 0.00021; 1000 Genomes Project 0.00026.
gnomAD v4.1: 17 of 1,151,470 alleles (0.0015%); highest among the groups gnomAD compares: East Asian, 0.046%; no homozygotes.

Submission:

CeGaT Center for Human Genetics Tuebingen
Classification: Likely benign. Last evaluated: 2022-12-01. Review status: criteria provided, single submitter. Criteria: CeGaT Center For Human Genetics Tuebingen Variant Classification Criteria Version 2. Collection method: clinical testing. Allele origin: germline. Affected: yes. Observed: 1 variant allele.
Comment: CFAP47: BP4, BP7, BS2; CXorf30: BS2